The following is an entry in ClinVar:

NM_002485.5(NBN):c.1332T>C (p.Asp444=)

Gene: NBN (nibrin; minus strand). Cytogenetic location: 8q21.3.
Variant type: single nucleotide variant.
Coding change: c.1332T>C on transcript NM_002485.5 (MANE Select); coding-DNA position 1332, T replaced by C.
Protein change: p.Asp444=; no amino-acid change (aspartic acid 444 retained).
Molecular consequence: synonymous variant.
Genome position (GRCh38, 1-based): chr8:89,955,348, A>G on the plus strand (T>C on the coding strand, the complement: NBN is on the minus strand). VCF-style: chr8-89955348-A-G. GRCh37 (hg19) VCF-style: chr8-90967576-A-G.
Other names: c.1086T>C, p.Asp362= (NM_001024688.3); c.1332T>C (NM_002485.4).
Identifiers: ClinVar variation 1123496 (VCV001123496.11), dbSNP rs1810653364, ClinGen allele CA462114894.
Genomic context (GRCh38, chr8:89,955,348, plus strand): 5'-TTTGGTAGACGGCTGAAAGTAGTTTCTGATGGAGTTGGTCTGCTGCTGCTGAGAAGCCCT[A>G]TCTTTACTTTTATTTATACTTGGCAATTTAGTTGGTGAAAGCTGATAGTTTGGGATTCTC-3'
Protein context (NP_002476.2, residues 434-454): TKLPSINKSK[Asp444=]RASQQQQTNS

ClinVar aggregate classification (germline): Conflicting classifications of pathogenicity. Review status: criteria provided, conflicting classifications (1 of 4 stars). 3 submissions from 3 submitters: Uncertain significance (1); Likely benign (2). Last evaluated 2025-10-02.

Conditions:
Hereditary cancer-predisposing syndrome. Also called: Neoplastic Syndromes, Hereditary; Tumor predisposition; Hereditary Cancer Syndrome; Hereditary neoplastic syndrome. Identifiers: Orphanet 140162, MedGen C0027672, MeSH D009386, MONDO:0015356.
Microcephaly, normal intelligence and immunodeficiency (NBS). Also called: Nijmegen breakage syndrome; Microcephaly with normal intelligence immunodeficiency and lymphoreticular malignancies; Nonsyndromal microcephaly autosomal recessive with normal intelligence; Seemanova syndrome 2; BERLIN BREAKAGE SYNDROME; IMMUNODEFICIENCY, MICROCEPHALY, AND CHROMOSOMAL INSTABILITY. Identifiers: Orphanet 647, MedGen C0398791, MONDO:0009623, OMIM 251260.

Allele frequency attached by ClinVar (database versions not stated): gnomAD exomes below 0.00001.
gnomAD v4.1: 1 of 1,613,738 alleles (0.000062%); highest among the groups gnomAD compares: South Asian, 0.0011%; no homozygotes.

Submissions (3):

Ambry Genetics
Classification: Likely benign for Hereditary cancer-predisposing syndrome. Last evaluated: 2025-10-02. Review status: criteria provided, single submitter. Criteria: Ambry Variant Classification Scheme 2023. Collection method: clinical testing. Allele origin: germline.

Quest Diagnostics Nichols Institute San Juan Capistrano
Classification: Uncertain significance. Last evaluated: 2024-09-16. Review status: criteria provided, single submitter. Criteria: Quest Diagnostics criteria. Collection method: clinical testing. Allele origin: unknown.
Comment: The NBN c.1332T>C (p.Asp444=) synonymous variant has not been reported in individuals with NBN-related conditions in the published literature. It also has not been reported in large, multi-ethnic general populations (Genome Aggregation Database). Analysis of this variant using software algorithms for the prediction of the effect of nucleotide changes on splicing yielded predictions that this variant does not affect NBN mRNA splicing. Based on the available information, we are unable to determine the clinical significance of this variant.

Labcorp Genetics (formerly Invitae), Labcorp
Classification: Likely benign for Microcephaly, normal intelligence and immunodeficiency. Last evaluated: 2023-10-15. Review status: criteria provided, single submitter. Criteria: Invitae Variant Classification Sherloc (09022015). Collection method: clinical testing. Allele origin: germline.